The following is an entry in ClinVar:

NM_006118.4(HAX1):c.53+1G>C

Gene: HAX1 (HCLS1 associated protein X-1; plus strand). Cytogenetic location: 1q21.3.
Variant type: single nucleotide variant.
Coding change: c.53+1G>C on transcript NM_006118.4 (MANE Select); the canonical splice donor site of the intron after coding-DNA position 53, G replaced by C.
Molecular consequence: splice donor variant.
Genome position (GRCh38, 1-based): chr1:154,272,777, G>C. VCF-style: chr1-154272777-G-C. GRCh37 (hg19) VCF-style: chr1-154245253-G-C.
Other names: c.53+1G>C (NM_001018837.2).
Identifiers: ClinVar variation 4732995 (VCV004732995.1).
Genomic context (GRCh38, chr1:154,272,777, plus strand): 5'-TACGGGAATGAGCCTCTTTGATCTCTTCCGGGGCTTTTTCGGCTTTCCTGGACCTCGGAG[G>C]TGAGAGTAGGTCCGGCTCGGACAAGGGTGGGGGTCGTCTGAGGGGAGCTTGACCCCTACG-3'

ClinVar aggregate classification (germline): Likely pathogenic (1 of 4 stars; one submission).

Conditions:
Kostmann syndrome (SCN3). Also called: KOSTMANN DISEASE; Autosomal recessive severe congenital neutropenia type 3. Identifiers: Orphanet 99749, MedGen C5235141, MONDO:0012548, OMIM 610738.

Submission:

Labcorp Genetics (formerly Invitae), Labcorp
Classification: Likely pathogenic for Kostmann syndrome. Last evaluated: 2025-12-17. Review status: criteria provided, single submitter. Criteria: Invitae Variant Classification Sherloc (09022015). Collection method: clinical testing. Allele origin: germline.
Comment: This sequence change affects a donor splice site in intron 1 of the HAX1 gene. It is expected to disrupt RNA splicing. Variants that disrupt the donor or acceptor splice site typically lead to a loss of protein function (PMID: 16199547), and loss-of-function variants in HAX1 are known to be pathogenic (PMID: 17187068). This variant is not present in population databases (gnomAD no frequency). Disruption of this splice site has been observed in individual(s) with severe congenital neutropenia (PMID: 31321910). Algorithms developed to predict the effect of sequence changes on RNA splicing suggest that this variant may disrupt the consensus splice site. In summary, the currently available evidence indicates that the variant is pathogenic, but additional data are needed to prove that conclusively. Therefore, this variant has been classified as Likely Pathogenic.

Literature cited by the submitters: PubMed 16199547; PubMed 17187068; PubMed 31321910.